The following is an entry in ClinVar:

NM_020937.4(FANCM):c.2203G>C (p.Glu735Gln)

Gene: FANCM (FA complementation group M; plus strand). Cytogenetic location: 14q21.2.
Variant type: single nucleotide variant.
Coding change: c.2203G>C on transcript NM_020937.4 (MANE Select); coding-DNA position 2203, G replaced by C.
Protein change: p.Glu735Gln; replaces glutamic acid 735 with glutamine.
Molecular consequence: missense variant.
Genome position (GRCh38, 1-based): chr14:45,173,097, G>C. VCF-style: chr14-45173097-G-C. GRCh37 (hg19) VCF-style: chr14-45642300-G-C.
Other names: c.2125G>C, p.Glu709Gln (NM_001308133.2); short protein forms E735Q, E709Q.
Identifiers: ClinVar variation 2190554 (VCV002190554.4), dbSNP rs2503172554, ClinGen allele CA389596669.
Genomic context (GRCh38, chr14:45,173,097, plus strand): 5'-ACTTTTTAAATAATTAAGGCTCAAGAATCAACCACTGGAATTCATCAACTCTCTCTCTCT[G>C]AATGGAGACTGTGGCAAGATCATCCTTTGCCTACACATCAAGTTGATCACTCAGATCGAT-3'
Protein context (NP_065988.1, residues 725-745): TTGIHQLSLS[Glu735Gln]WRLWQDHPLP

ClinVar aggregate classification (germline): Uncertain significance (1 of 4 stars; one submission).

Conditions:
Fanconi anemia (FA). Also called: Fanconi's anemia. Identifiers: Orphanet 84, MedGen C0015625, MeSH D005199, MONDO:0019391.

gnomAD v4.1: 1 of 1,611,312 alleles (0.000062%); no homozygotes.

Submission:

Labcorp Genetics (formerly Invitae), Labcorp
Classification: Uncertain significance for Fanconi anemia. Last evaluated: 2022-03-11. Review status: criteria provided, single submitter. Criteria: Invitae Variant Classification Sherloc (09022015). Collection method: clinical testing. Allele origin: germline.
Comment: In summary, the available evidence is currently insufficient to determine the role of this variant in disease. Therefore, it has been classified as a Variant of Uncertain Significance. Algorithms developed to predict the effect of missense changes on protein structure and function are either unavailable or do not agree on the potential impact of this missense change (SIFT: "Tolerated"; PolyPhen-2: "Possibly Damaging"; Align-GVGD: "Class C0"). This variant has not been reported in the literature in individuals affected with FANCM-related conditions. This variant is not present in population databases (gnomAD no frequency). This sequence change replaces glutamic acid, which is acidic and polar, with glutamine, which is neutral and polar, at codon 735 of the FANCM protein (p.Glu735Gln).